The following is an entry in ClinVar:

ClinVar aggregate classification (germline): Likely benign. Review status: criteria provided, multiple submitters, no conflicts (2 of 4 stars). 3 submissions from 3 submitters: Likely benign (3). Last evaluated 2026-01-28.

Allele frequency attached by ClinVar (database versions not stated): ExAC 0.00004; gnomAD exomes 0.00005.
gnomAD v4.1: 76 of 1,602,530 alleles (0.0047%); highest among the groups gnomAD compares: Middle Eastern, 0.033%; no homozygotes.

Submissions (3):

Labcorp Genetics (formerly Invitae), Labcorp
Classification: Likely benign. Last evaluated: 2026-01-28. Review status: criteria provided, single submitter. Criteria: Invitae Variant Classification Sherloc (09022015). Collection method: clinical testing. Allele origin: germline.

CeGaT Center for Human Genetics Tuebingen
Classification: Likely benign. Last evaluated: 2025-01-01. Review status: criteria provided, single submitter. Criteria: CeGaT Center For Human Genetics Tuebingen Variant Classification Criteria Version 2. Collection method: clinical testing. Allele origin: germline. Affected: yes. Observed: 1 variant allele.
Comment: COL18A1: BP4, BP7

Blueprint Genetics
Classification: Likely benign. Last evaluated: 2024-11-11. Review status: criteria provided, single submitter. Criteria: ACMG Guidelines, 2015. Collection method: clinical testing. Allele origin: germline.

NM_001379500.1(COL18A1):c.107-12163C>T

Gene: COL18A1 (collagen type XVIII alpha 1 chain; plus strand). Cytogenetic location: 21q22.3.
Variant type: single nucleotide variant.
Coding change: c.107-12163C>T on transcript NM_001379500.1 (MANE Select); 12163 bases into the intron before coding-DNA position 107, C replaced by T.
Molecular consequence: intron variant. On other transcripts: synonymous variant (2).
Genome position (GRCh38, 1-based): chr21:45,456,079, C>T. VCF-style: chr21-45456079-C-T. GRCh37 (hg19) VCF-style: chr21-46875993-C-T.
Other names: c.549C>T, p.Thr183= (NM_030582.4, NM_130444.3).
Identifiers: ClinVar variation 1605216 (VCV001605216.22), dbSNP rs767031366, ClinGen allele CA10065509.